The following is an entry in ClinVar:

NM_001385012.1(NBEA):c.4402A>G (p.Met1468Val)

Gene: NBEA (neurobeachin; plus strand). Cytogenetic location: 13q13.3.
Variant type: single nucleotide variant.
Coding change: c.4402A>G on transcript NM_001385012.1 (MANE Select); coding-DNA position 4402, A replaced by G.
Protein change: p.Met1468Val; replaces methionine 1468 with valine.
Molecular consequence: missense variant.
Genome position (GRCh38, 1-based): chr13:35,171,431, A>G. VCF-style: chr13-35171431-A-G. GRCh37 (hg19) VCF-style: chr13-35745568-A-G.
Other names: c.4393A>G, p.Met1465Val (NM_001379245.1); c.4402A>G, p.Met1468Val (NM_015678.5); short protein forms M1465V, M1468V.
Identifiers: ClinVar variation 1806691 (VCV001806691.1), dbSNP rs2503806928, ClinGen allele CA387842099.

ClinVar aggregate classification (germline): Uncertain significance (1 of 4 stars; one submission).

Allele frequency attached by ClinVar (database versions not stated): gnomAD exomes below 0.00001.

Submission:

GeneDx
Classification: Uncertain significance. Last evaluated: 2022-12-20. Review status: criteria provided, single submitter. Criteria: GeneDx Variant Classification Process June 2021. Collection method: clinical testing. Allele origin: germline. Affected: yes.
Comment: Not observed at significant frequency in large population cohorts (gnomAD); In silico analysis supports that this missense variant does not alter protein structure/function; Has not been previously published as pathogenic or benign to our knowledge